The following is an entry in ClinVar:

NM_014681.6(DHX34):c.256C>T (p.Pro86Ser)

Gene: DHX34 (DExH-box helicase 34; plus strand). Cytogenetic location: 19q13.32.
Variant type: single nucleotide variant.
Coding change: c.256C>T on transcript NM_014681.6 (MANE Select); coding-DNA position 256, C replaced by T.
Protein change: p.Pro86Ser; replaces proline 86 with serine.
Molecular consequence: missense variant.
Genome position (GRCh38, 1-based): chr19:47,353,286, C>T. VCF-style: chr19-47353286-C-T. GRCh37 (hg19) VCF-style: chr19-47856543-C-T.
Other names: short protein forms P86S.
Identifiers: ClinVar variation 712250 (VCV000712250.7), dbSNP rs114585486, ClinGen allele CA9537700.

ClinVar aggregate classification (germline): Conflicting classifications of pathogenicity. Review status: criteria provided, conflicting classifications (1 of 4 stars). 4 submissions from 4 submitters: Uncertain significance (1); Benign (2). 1 of the submissions does not count toward it. Last evaluated 2025-09-01.

Conditions:
DHX34-related disorder. Also called: DHX34-related condition.

Allele frequency attached by ClinVar (database versions not stated): gnomAD exomes 0.00032 and 0.00077; ExAC 0.00101; gnomAD 0.00281 and 0.00308; ESP Exome Variant Server 0.00292; TOPMed 0.00340; 1000 Genomes Project 30x 0.00344; 1000 Genomes Project 0.00359.

Submissions (4):

Ambry Genetics
Classification: Uncertain significance. Last evaluated: 2025-09-01. Review status: criteria provided, single submitter. Criteria: Ambry Variant Classification Scheme 2023. Collection method: clinical testing. Allele origin: germline.

Labcorp Genetics (formerly Invitae), Labcorp
Classification: Benign. Last evaluated: 2018-02-20. Review status: criteria provided, single submitter. Criteria: Invitae Variant Classification Sherloc (09022015). Collection method: clinical testing. Allele origin: germline.

Breakthrough Genomics
Classification: Benign. Review status: criteria provided, single submitter. Criteria: ACMG Guidelines, 2015. Collection method: not provided. Allele origin: germline. Inheritance: Unknown mechanism. Affected: yes.

PreventionGenetics, part of Exact Sciences
Classification: Benign for DHX34-related condition. Last evaluated: 2019-12-05. Review status: no assertion criteria provided. Collection method: clinical testing. Allele origin: germline. Not counted in ClinVar's aggregate classification.
Comment: This variant is classified as benign based on ACMG/AMP sequence variant interpretation guidelines (Richards et al. 2015 PMID: 25741868, with internal and published modifications).